The following is an entry in ClinVar:

ClinVar aggregate classification (germline): Uncertain significance. Review status: criteria provided, multiple submitters, no conflicts (2 of 4 stars). 2 submissions from 2 submitters: Uncertain significance (2). Last evaluated 2024-03-11.

Conditions:
Succinate-semialdehyde dehydrogenase deficiency (SSADHD). Also called: Succinic Semialdehyde Dehydrogenase Deficiency; SSADH DEFICIENCY; 4-HYDROXYBUTYRIC ACIDURIA; GABA METABOLIC DEFECT. Identifiers: Orphanet 22, MedGen C0268631, MONDO:0010083, OMIM 271980.

Allele frequency attached by ClinVar (database versions not stated): TOPMed below 0.00001; ExAC 0.00002.
gnomAD v4.1: 2 of 1,347,916 alleles (0.00015%); highest among the groups gnomAD compares: Admixed American, 0.0057%; no homozygotes.

Submissions (2):

Labcorp Genetics (formerly Invitae), Labcorp
Classification: Uncertain significance for Succinate-semialdehyde dehydrogenase deficiency. Last evaluated: 2024-03-11. Review status: criteria provided, single submitter. Criteria: Invitae Variant Classification Sherloc (09022015). Collection method: clinical testing. Allele origin: germline.
Comment: This sequence change replaces arginine, which is basic and polar, with tryptophan, which is neutral and slightly polar, at codon 13 of the ALDH5A1 protein (p.Arg13Trp). The frequency data for this variant in the population databases is considered unreliable, as metrics indicate poor data quality at this position in the gnomAD database. This variant has not been reported in the literature in individuals affected with ALDH5A1-related conditions. ClinVar contains an entry for this variant (Variation ID: 1058384). Advanced modeling of protein sequence and biophysical properties (such as structural, functional, and spatial information, amino acid conservation, physicochemical variation, residue mobility, and thermodynamic stability) performed at Invitae indicates that this missense variant is not expected to disrupt ALDH5A1 protein function with a negative predictive value of 95%. In summary, the available evidence is currently insufficient to determine the role of this variant in disease. Therefore, it has been classified as a Variant of Uncertain Significance.

GeneDx
Classification: Uncertain significance. Last evaluated: 2021-02-15. Review status: criteria provided, single submitter. Criteria: GeneDx Variant Classification Process June 2021. Collection method: clinical testing. Allele origin: germline. Affected: yes.
Comment: In silico analysis, which includes protein predictors and evolutionary conservation, supports that this variant does not alter protein structure/function; Has not been previously published as pathogenic or benign to our knowledge

NM_001080.3(ALDH5A1):c.37C>T (p.Arg13Trp)

Genes: ALDH5A1 (aldehyde dehydrogenase 5 family member A1; plus strand), GPLD1 (glycosylphosphatidylinositol specific phospholipase D1; minus strand), LOC129995978 (ATAC-STARR-seq lymphoblastoid silent region 16989; plus strand). Cytogenetic location: 6p22.3.
Variant type: single nucleotide variant.
Coding change: c.37C>T on transcript NM_001080.3 (MANE Select); coding-DNA position 37, C replaced by T.
Protein change: p.Arg13Trp; replaces arginine 13 with tryptophan.
Molecular consequence: missense variant.
Genome position (GRCh38, 1-based): chr6:24,495,033, C>T. VCF-style: chr6-24495033-C-T. GRCh37 (hg19) VCF-style: chr6-24495261-C-T.
Other names: c.37C>T, p.Arg13Trp (NM_001368954.1, NM_170740.1); short protein forms R13W.
Identifiers: ClinVar variation 1058384 (VCV001058384.8), dbSNP rs766443938, ClinGen allele CA3656559.